The following is an entry in ClinVar:

NM_001267550.2(TTN):c.17075T>C (p.Val5692Ala)

Genes: TTN (titin; minus strand), LOC126806431 (CDK7 strongly-dependent group 2 enhancer GRCh37_chr2:179595719-179596918; plus strand). Cytogenetic location: 2q31.2.
Variant type: single nucleotide variant.
Coding change: c.17075T>C on transcript NM_001267550.2 (MANE Select); coding-DNA position 17075, T replaced by C.
Protein change: p.Val5692Ala; replaces valine 5692 with alanine.
Molecular consequence: missense variant. On other transcripts: intron variant (3).
Genome position (GRCh38, 1-based): chr2:178,731,800, A>G on the plus strand (T>C on the coding strand, the complement: TTN is on the minus strand). VCF-style: chr2-178731800-A-G. GRCh37 (hg19) VCF-style: chr2-179596527-A-G.
Other names: c.13343T>C, p.Val4448Ala (NM_133378.4); c.16124T>C, p.Val5375Ala (NM_001256850.1); c.13282+6282T>C (NM_003319.4); c.13858+6282T>C (NM_133437.4); c.13657+6282T>C (NM_133432.3); short protein forms V4448A, V5692A, V5375A.
Identifiers: ClinVar variation 229391 (VCV000229391.9), dbSNP rs570039271, ClinGen allele CA2001920.

ClinVar aggregate classification (germline): Conflicting classifications of pathogenicity. Review status: criteria provided, conflicting classifications (1 of 4 stars). 3 submissions from 3 submitters: Uncertain significance (1); Likely benign (2). Last evaluated 2026-05-28.

Conditions:
Cardiomyopathy (CMYO). Also called: Cardiomyopathies. Identifiers: Orphanet 167848, MedGen C0878544, MONDO:0004994, HP:0001638. Inheritance: Various modes of inheritance.

Allele frequency attached by ClinVar (database versions not stated): ExAC 0.00007; 1000 Genomes Project 30x 0.00016; gnomAD exomes 0.00008 and 0.00002; 1000 Genomes Project 0.00020; gnomAD 0.00001.
gnomAD v4.1: 36 of 1,613,808 alleles (0.0022%); highest among the groups gnomAD compares: South Asian, 0.035%; no homozygotes.

Submissions (3):

Women's Health and Genetics/Laboratory Corporation of America, LabCorp
Classification: Likely benign. Last evaluated: 2026-05-28. Review status: criteria provided, single submitter. Criteria: LabCorp Variant Classification Summary - May 2015. Collection method: clinical testing. Allele origin: germline.
Comment: Variant summary: TTN c.13343T>C (p.Val4448Ala) results in a non-conservative amino acid change in the encoded protein sequence. Algorithms developed to predict the effect of missense changes on protein structure and function are either unavailable or do not agree on the potential impact of this missense change. The variant allele was found at a frequency of 8e-05 in 248644 control chromosomes, predominantly at a frequency of 0.00059 within the South Asian subpopulation in the gnomAD database. The observed variant frequency within South Asian control individuals in the gnomAD database exceeds the estimated maximal expected allele frequency for disease-causing variants in TTN. To our knowledge, no occurrence of c.13343T>C in individuals affected with TTN-related conditions and no experimental evidence demonstrating its impact on protein function have been reported. ClinVar contains an entry for this variant (Variation ID: 229391). Based on the evidence outlined above, the variant was classified as likely benign.

CHEO Genetics Diagnostic Laboratory, Children's Hospital of Eastern Ontario
Classification: Likely benign for Cardiomyopathy. Last evaluated: 2020-01-08. Review status: criteria provided, single submitter. Criteria: ACMG Guidelines, 2015. Collection method: clinical testing. Allele origin: germline.

Laboratory for Molecular Medicine, Mass General Brigham Personalized Medicine
Classification: Uncertain significance. Last evaluated: 2016-03-17. Review status: criteria provided, single submitter. Criteria: LMM Criteria. Collection method: clinical testing. Allele origin: germline. Observed: 1 variant allele.
Comment: Variant classified as Uncertain Significance - Favor Benign. The p.Val4448Ala va riant in TTN has not been previously reported in individuals with cardiomyopathy , but has been identified in 7/16508 South Asian chromosomes by the Exome Aggreg ation Consortium (ExAC; dbSNP rs570039271). Vali ne (Val) at position 4448 is not conserved in mammals or evolutionarily distant species and 1 mammal (Brush-tailed rat) carries an Alanine (Ala), raising the po ssibility that this change may be tolerated. In summary, while the clinical sign ificance of the p.Val4448Ala variant is uncertain, these data suggest that it is more likely to be benign.